The following is an entry in ClinVar:

ClinVar aggregate classification (germline): Conflicting classifications of pathogenicity. Review status: criteria provided, conflicting classifications (1 of 4 stars). 3 submissions from 3 submitters: Uncertain significance (1); Likely benign (1). 1 of the submissions does not count toward it. Last evaluated 2025-12-16.

Conditions:
Schneckenbecken dysplasia. Identifiers: Orphanet 3144, MedGen C0432194, MONDO:0010013, OMIM 269250.
Inborn genetic diseases. Identifiers: MedGen C0950123, MeSH D030342.

Allele frequency attached by ClinVar (database versions not stated): 1000 Genomes Project 30x 0.00078; 1000 Genomes Project 0.00080; gnomAD exomes 0.00008 and 0.00038; gnomAD 0.00014 and 0.00015; TOPMed 0.00016; ExAC 0.00032.
gnomAD v4.1: 144 of 1,614,140 alleles (0.0089%); highest among the groups gnomAD compares: East Asian, 0.29%; no homozygotes.

Submissions (3):

Labcorp Genetics (formerly Invitae), Labcorp
Classification: Likely benign for Schneckenbecken dysplasia. Last evaluated: 2025-12-16. Review status: criteria provided, single submitter. Criteria: Invitae Variant Classification Sherloc (09022015). Collection method: clinical testing. Allele origin: germline.

Ambry Genetics
Classification: Uncertain significance for Inborn genetic diseases. Last evaluated: 2025-06-16. Review status: criteria provided, single submitter. Criteria: Ambry Variant Classification Scheme 2023. Collection method: clinical testing. Allele origin: germline.

Department of Pathology and Laboratory Medicine, Sinai Health System
Classification: Uncertain significance. Review status: no assertion criteria provided. Collection method: clinical testing. Allele origin: unknown. Affected: yes. Study: The Canadian Open Genetics Repository (COGR). Not counted in ClinVar's aggregate classification.
Comment: The SLC35D1 p.Tyr236Cys variant was not identified in the literature nor was it identified in ClinVar, Cosmic, or LOVD 3.0. The variant was identified in dbSNP (ID: rs199561187) and in control databases in 105 of 282884 chromosomes at a frequency of 0.000371 increasing the likelihood this could be a low frequency benign variant (Genome Aggregation Database Feb 27, 2017). The variant was observed in the following populations: East Asian in 102 of 19952 chromosomes (freq: 0.005112), Other in 1 of 7226 chromosomes (freq: 0.000138), Latino in 1 of 35440 chromosomes (freq: 0.000028) and European (non-Finnish) in 1 of 129184 chromosomes (freq: 0.000008), but was not observed in the African, Ashkenazi Jewish, European (Finnish) or South Asian populations. The p.Tyr236 residue is conserved in mammals and four of five computational analyses (PolyPhen-2, SIFT, AlignGVGD, BLOSUM, MutationTaster) suggest that the variant may impact the protein. The variant occurs outside of the splicing consensus sequence and three of four in silico or computational prediction software programs (SpliceSiteFinder, MaxEntScan, NNSPLICE, GeneSplicer) do not predict a difference in splicing. In summary, based on the above information the clinical significance of this variant cannot be determined with certainty at this time. This variant is classified as a variant of uncertain significance.

NM_015139.3(SLC35D1):c.707A>G (p.Tyr236Cys)

Gene: SLC35D1 (solute carrier family 35 member D1; minus strand). Cytogenetic location: 1p31.3.
Variant type: single nucleotide variant.
Coding change: c.707A>G on transcript NM_015139.3 (MANE Select); coding-DNA position 707, A replaced by G.
Protein change: p.Tyr236Cys; replaces tyrosine 236 with cysteine.
Molecular consequence: missense variant.
Genome position (GRCh38, 1-based): chr1:67,042,258, T>C on the plus strand (A>G on the coding strand, the complement: SLC35D1 is on the minus strand). VCF-style: chr1-67042258-T-C. GRCh37 (hg19) VCF-style: chr1-67507941-T-C.
Other names: c.707A>G (NM_015139.2); short protein forms Y236C.
Identifiers: ClinVar variation 1049524 (VCV001049524.10), dbSNP rs199561187, ClinGen allele CA898922.